The following is an entry in ClinVar:

ClinVar aggregate classification (germline): Uncertain significance (1 of 4 stars; one submission).

Conditions:
Early-infantile DEE. Also called: Ohtahara syndrome; Early infantile epileptic encephalopathy with suppression bursts; Early infantile epileptic encephalopathy. Identifiers: Orphanet 1934, MedGen C0393706, MONDO:0800491.

Submission:

Labcorp Genetics (formerly Invitae), Labcorp
Classification: Uncertain significance for Early-infantile DEE. Last evaluated: 2025-04-14. Review status: criteria provided, single submitter. Criteria: Invitae Variant Classification Sherloc (09022015). Collection method: clinical testing. Allele origin: germline.
Comment: This sequence change replaces proline, which is neutral and non-polar, with alanine, which is neutral and non-polar, at codon 729 of the KCNH5 protein (p.Pro729Ala). This variant is not present in population databases (gnomAD no frequency). This variant has not been reported in the literature in individuals affected with KCNH5-related conditions. ClinVar contains an entry for this variant (Variation ID: 2890548). Invitae Evidence Modeling of protein sequence and biophysical properties (such as structural, functional, and spatial information, amino acid conservation, physicochemical variation, residue mobility, and thermodynamic stability) indicates that this missense variant is not expected to disrupt KCNH5 protein function with a negative predictive value of 95%. In summary, the available evidence is currently insufficient to determine the role of this variant in disease. Therefore, it has been classified as a Variant of Uncertain Significance.

NM_139318.5(KCNH5):c.2185C>G (p.Pro729Ala)

Gene: KCNH5 (potassium voltage-gated channel subfamily H member 5; minus strand). Cytogenetic location: 14q23.2.
Variant type: single nucleotide variant.
Coding change: c.2185C>G on transcript NM_139318.5 (MANE Select); coding-DNA position 2185, C replaced by G.
Protein change: p.Pro729Ala; replaces proline 729 with alanine.
Molecular consequence: missense variant. On other transcripts: 3 prime UTR variant (1).
Genome position (GRCh38, 1-based): chr14:62,708,290, G>C on the plus strand (C>G on the coding strand, the complement: KCNH5 is on the minus strand). VCF-style: chr14-62708290-G-C. GRCh37 (hg19) VCF-style: chr14-63175008-G-C.
Other names: c.*152C>G (NM_172375.3); short protein forms P729A.
Identifiers: ClinVar variation 2890548 (VCV002890548.3), dbSNP rs1374075293, ClinGen allele CA390101154.